The following is an entry in ClinVar:

ClinVar aggregate classification (germline): Likely pathogenic. Review status: criteria provided, single submitter (1 of 4 stars). 2 submissions from 2 submitters: Likely pathogenic (1). 1 of the submissions does not count toward it. Last evaluated 2025-11-17.

Allele frequency attached by ClinVar (database versions not stated): gnomAD exomes below 0.00001; gnomAD 0.00003 and 0.00004; TOPMed 0.00010.
gnomAD v4.1: 8 of 1,613,146 alleles (0.0005%); highest among the groups gnomAD compares: Admixed American, 0.012%; no homozygotes.

Submissions (2):

Labcorp Genetics (formerly Invitae), Labcorp
Classification: Likely pathogenic. Last evaluated: 2025-11-17. Review status: criteria provided, single submitter. Criteria: Invitae Variant Classification Sherloc (09022015). Collection method: clinical testing. Allele origin: germline.
Comment: This sequence change replaces phenylalanine, which is neutral and non-polar, with leucine, which is neutral and non-polar, at codon 146 of the SERPINH1 protein (p.Phe146Leu). This variant is not present in population databases (gnomAD no frequency). This missense change has been observed in individuals with clinical features of osteogenesis imperfecta (PMID: 38926541; internal data). ClinVar contains an entry for this variant (Variation ID: 591550). Invitae Evidence Modeling of protein sequence and biophysical properties (such as structural, functional, and spatial information, amino acid conservation, physicochemical variation, residue mobility, and thermodynamic stability) has been performed for this missense variant. However, the output from this modeling did not meet the statistical confidence thresholds required to predict the impact of this variant on SERPINH1 protein function. In summary, the currently available evidence indicates that the variant is pathogenic, but additional data are needed to prove that conclusively. Therefore, this variant has been classified as Likely Pathogenic.

Gharavi Laboratory, Columbia University
Classification: Uncertain significance. Last evaluated: 2018-09-16. Review status: no assertion criteria provided. Criteria: ACMG Guidelines, 2015. Collection method: research. Allele origin: germline. Affected: yes. Not counted in ClinVar's aggregate classification.

Literature cited by the submitters: PubMed 38926541 (cited by Labcorp Genetics (formerly Invitae), Labcorp).

NM_001235.5(SERPINH1):c.436T>C (p.Phe146Leu)

Gene: SERPINH1 (serpin family H member 1; plus strand). Cytogenetic location: 11q13.5.
Variant type: single nucleotide variant.
Coding change: c.436T>C on transcript NM_001235.5 (MANE Select); coding-DNA position 436, T replaced by C.
Protein change: p.Phe146Leu; replaces phenylalanine 146 with leucine.
Molecular consequence: missense variant.
Genome position (GRCh38, 1-based): chr11:75,566,785, T>C. VCF-style: chr11-75566785-T-C. GRCh37 (hg19) VCF-style: chr11-75277830-T-C.
Other names: c.436T>C, p.Phe146Leu (NM_001207014.3); short protein forms F146L.
Identifiers: ClinVar variation 591550 (VCV000591550.7), dbSNP rs972547822, ClinGen allele CA224682239.